The following is an entry in ClinVar:

ClinVar aggregate classification (germline): Likely benign (0 of 4 stars; one submission).

Conditions:
CYP26B1-related disorder. Also called: CYP26B1-related condition.

Allele frequency attached by ClinVar (database versions not stated): TOPMed 0.00003; ExAC 0.00005; gnomAD 0.00005; gnomAD exomes 0.00007.
gnomAD v4.1: 108 of 1,606,978 alleles (0.0067%); highest among the groups gnomAD compares: Non-Finnish European, 0.0073%; no homozygotes.

Submission:

PreventionGenetics, part of Exact Sciences
Classification: Likely benign for CYP26B1-related condition. Last evaluated: 2019-08-16. Review status: no assertion criteria provided. Collection method: clinical testing. Allele origin: germline.
Comment: This variant is classified as likely benign based on ACMG/AMP sequence variant interpretation guidelines (Richards et al. 2015 PMID: 25741868, with internal and published modifications).

NM_019885.4(CYP26B1):c.204+7G>A

Gene: CYP26B1 (cytochrome P450 family 26 subfamily B member 1; minus strand). Cytogenetic location: 2p13.2.
Variant type: single nucleotide variant.
Coding change: c.204+7G>A on transcript NM_019885.4 (MANE Select); 7 bases into the intron after coding-DNA position 204, G replaced by A.
Molecular consequence: intron variant.
Genome position (GRCh38, 1-based): chr2:72,147,624, C>T on the plus strand (G>A on the coding strand, the complement: CYP26B1 is on the minus strand). VCF-style: chr2-72147624-C-T. GRCh37 (hg19) VCF-style: chr2-72374753-C-T.
Other names: c.204+7G>A (NM_001277742.2).
Identifiers: ClinVar variation 3053346 (VCV003053346.2), dbSNP rs758323100, ClinGen allele CA1708163.